The following is an entry in ClinVar:

NM_001035.3(RYR2):c.12549A>G (p.Lys4183=)

Genes: RYR2 (ryanodine receptor 2; plus strand), LOC126806068 (BRD4-independent group 4 enhancer GRCh37_chr1:237947411-237948610; plus strand). Cytogenetic location: 1q43.
Variant type: single nucleotide variant.
Coding change: c.12549A>G on transcript NM_001035.3 (MANE Select); coding-DNA position 12549, A replaced by G.
Protein change: p.Lys4183=; no amino-acid change (lysine 4183 retained).
Molecular consequence: synonymous variant.
Genome position (GRCh38, 1-based): chr1:237,784,261, A>G. VCF-style: chr1-237784261-A-G. GRCh37 (hg19) VCF-style: chr1-237947561-A-G.
Other names: c.12549A>G, p.Lys4183= (LRG_402t1).
Identifiers: ClinVar variation 412823 (VCV000412823.15), dbSNP rs760519665, ClinGen allele CA085197.

ClinVar aggregate classification (germline): Likely benign. Review status: criteria provided, multiple submitters, no conflicts (2 of 4 stars). 3 submissions from 3 submitters: Likely benign (3). Last evaluated 2024-03-16.

Conditions:
Cardiovascular phenotype. Identifiers: MedGen CN230736.
Catecholaminergic polymorphic ventricular tachycardia (CVPT). Also called: Catecholamine-induced polymorphic ventricular tachycardia. Identifiers: Orphanet 3286, MedGen C5574922, MONDO:0017990.
Catecholaminergic polymorphic ventricular tachycardia 1. Also called: VENTRICULAR TACHYCARDIA, STRESS-INDUCED POLYMORPHIC 1; RYR2-Related Catecholaminergic Polymorphic Ventricular Tachycardia; VENTRICULAR TACHYCARDIA, CATECHOLAMINERGIC POLYMORPHIC, 1, WITH OR WITHOUT ATRIAL DYSFUNCTION AND/OR DILATED CARDIOMYOPATHY. Identifiers: Orphanet 3286, MedGen C1631597, MONDO:0011484, OMIM 604772.

Allele frequency attached by ClinVar (database versions not stated): gnomAD exomes below 0.00001 and 0.00001; ExAC 0.00001; gnomAD 0.00001; TOPMed 0.00002.
gnomAD v4.1: 4 of 1,613,864 alleles (0.00025%); highest among the groups gnomAD compares: African/African-American, 0.0053%; no homozygotes.

Submissions (3):

Labcorp Genetics (formerly Invitae), Labcorp
Classification: Likely benign for Catecholaminergic polymorphic ventricular tachycardia 1. Last evaluated: 2024-03-16. Review status: criteria provided, single submitter. Criteria: Invitae Variant Classification Sherloc (09022015). Collection method: clinical testing. Allele origin: germline.

All of Us Research Program, National Institutes of Health
Classification: Likely benign for Catecholaminergic polymorphic ventricular tachycardia. Last evaluated: 2023-06-26. Review status: criteria provided, single submitter. Criteria: ACMG Guidelines, 2015. Collection method: clinical testing. Allele origin: germline. Inheritance: Autosomal dominant inheritance. Observed: 1 variant allele, 1 heterozygote.
Comment: This study involves interpretation of variants in research participants for the purpose of population health screening. Participant phenotype was not available at the time of variant classification. Additional details can be found in publication PMID: 35346344, PMCID: PMC8962531

Ambry Genetics
Classification: Likely benign for Cardiovascular phenotype. Last evaluated: 2021-05-27. Review status: criteria provided, single submitter. Criteria: Ambry Variant Classification Scheme 2023. Collection method: clinical testing. Allele origin: germline.